The following is an entry in ClinVar:

ClinVar aggregate classification (germline): Uncertain significance (1 of 4 stars; one submission).

Conditions:
Catecholaminergic polymorphic ventricular tachycardia 1. Also called: VENTRICULAR TACHYCARDIA, STRESS-INDUCED POLYMORPHIC 1; VENTRICULAR TACHYCARDIA, CATECHOLAMINERGIC POLYMORPHIC, 1, WITH OR WITHOUT ATRIAL DYSFUNCTION AND/OR DILATED CARDIOMYOPATHY; RYR2-Related Catecholaminergic Polymorphic Ventricular Tachycardia. Identifiers: Orphanet 3286, MedGen C1631597, MONDO:0011484, OMIM 604772.

Submission:

Labcorp Genetics (formerly Invitae), Labcorp
Classification: Uncertain significance for Catecholaminergic polymorphic ventricular tachycardia 1. Last evaluated: 2022-12-02. Review status: criteria provided, single submitter. Criteria: Invitae Variant Classification Sherloc (09022015). Collection method: clinical testing. Allele origin: germline.
Comment: This sequence change replaces proline, which is neutral and non-polar, with leucine, which is neutral and non-polar, at codon 2678 of the RYR2 protein (p.Pro2678Leu). This variant is not present in population databases (gnomAD no frequency). In summary, the available evidence is currently insufficient to determine the role of this variant in disease. Therefore, it has been classified as a Variant of Uncertain Significance. Advanced modeling of protein sequence and biophysical properties (such as structural, functional, and spatial information, amino acid conservation, physicochemical variation, residue mobility, and thermodynamic stability) performed at Invitae indicates that this missense variant is expected to disrupt RYR2 protein function. This variant has not been reported in the literature in individuals affected with RYR2-related conditions.

NM_001035.3(RYR2):c.8033C>T (p.Pro2678Leu)

Gene: RYR2 (ryanodine receptor 2; plus strand). Cytogenetic location: 1q43.
Variant type: single nucleotide variant.
Coding change: c.8033C>T on transcript NM_001035.3 (MANE Select); coding-DNA position 8033, C replaced by T.
Protein change: p.Pro2678Leu; replaces proline 2678 with leucine.
Molecular consequence: missense variant.
Genome position (GRCh38, 1-based): chr1:237,655,888, C>T. VCF-style: chr1-237655888-C-T. GRCh37 (hg19) VCF-style: chr1-237819188-C-T.
Other names: short protein forms P2678L.
Identifiers: ClinVar variation 2817896 (VCV002817896.3), dbSNP rs2547083376, ClinGen allele CA345400870.
Genomic context (GRCh38, chr1:237,655,888, plus strand): 5'-AACAAGAACTTTTCAAACTGGCACTGCCTTGCCTGAGTGCAGTTGCGGGAGCTTTGCCTC[C>T]AGACTACATGGAGTCAAATTATGTCAGTATGATGGAAAAACAGTCATCAATGGATTCTGA-3'
Protein context (NP_001026.2, residues 2668-2688): CLSAVAGALP[Pro2678Leu]DYMESNYVSM